The following is an entry in ClinVar:

ClinVar aggregate classification (germline): Uncertain significance. Review status: criteria provided, multiple submitters, no conflicts (2 of 4 stars). 2 submissions from 2 submitters: Uncertain significance (2). Last evaluated 2026-01-14.

Conditions:
Capillary malformation-arteriovenous malformation syndrome. Also called: Capillary malformation-arteriovenous malformation. Identifiers: Orphanet 137667, MedGen C1842180, MONDO:0012016.
Cardiovascular phenotype. Identifiers: MedGen CN230736.

Allele frequency attached by ClinVar (database versions not stated): gnomAD exomes below 0.00001.
gnomAD v4.1: 3 of 1,614,114 alleles (0.00019%); highest among the groups gnomAD compares: Admixed American, 0.0017%; no homozygotes.

Submissions (2):

Ambry Genetics
Classification: Uncertain significance for Cardiovascular phenotype. Last evaluated: 2026-01-14. Review status: criteria provided, single submitter. Criteria: Ambry Variant Classification Scheme 2023. Collection method: clinical testing. Allele origin: germline.

Labcorp Genetics (formerly Invitae), Labcorp
Classification: Uncertain significance for Capillary malformation-arteriovenous malformation syndrome. Last evaluated: 2025-04-17. Review status: criteria provided, single submitter. Criteria: Invitae Variant Classification Sherloc (09022015). Collection method: clinical testing. Allele origin: germline.
Comment: This sequence change replaces alanine, which is neutral and non-polar, with glycine, which is neutral and non-polar, at codon 115 of the RASA1 protein (p.Ala115Gly). This variant is present in population databases (no rsID available, gnomAD 0.003%). This variant has not been reported in the literature in individuals affected with RASA1-related conditions. ClinVar contains an entry for this variant (Variation ID: 1352235). An algorithm developed to predict the effect of missense changes on protein structure and function outputs the following: PolyPhen-2: "Benign". The glycine amino acid residue is found in multiple mammalian species, which suggests that this missense change does not adversely affect protein function. In summary, the available evidence is currently insufficient to determine the role of this variant in disease. Therefore, it has been classified as a Variant of Uncertain Significance.

NM_002890.3(RASA1):c.344C>G (p.Ala115Gly)

Gene: RASA1 (RAS p21 protein activator 1; plus strand). Cytogenetic location: 5q14.3.
Variant type: single nucleotide variant.
Coding change: c.344C>G on transcript NM_002890.3 (MANE Select); coding-DNA position 344, C replaced by G.
Protein change: p.Ala115Gly; replaces alanine 115 with glycine.
Molecular consequence: missense variant.
Genome position (GRCh38, 1-based): chr5:87,268,795, C>G. VCF-style: chr5-87268795-C-G. GRCh37 (hg19) VCF-style: chr5-86564612-C-G.
Other names: short protein forms A115G.
Identifiers: ClinVar variation 1352235 (VCV001352235.9), dbSNP rs576329276, ClinGen allele CA360417214.
Genomic context (GRCh38, chr5:87,268,795, plus strand): 5'-TAGCTGGTGCTGCTGCTGGCGTGGCCGGTGCTGCTGTTGCTGGACCTAGTGGAGACATGG[C>G]TCTCACCAAACTGCCCACTTCGTTGCTTGCTGAGACTCTCGGGCCAGGCGGCGGTTTTCC-3'
Protein context (NP_002881.1, residues 105-125): AAVAGPSGDM[Ala115Gly]LTKLPTSLLA